The following is an entry in ClinVar:

NM_201384.3(PLEC):c.8793A>G (p.Glu2931=)

Gene: PLEC (plectin; minus strand). Cytogenetic location: 8q24.3.
Variant type: single nucleotide variant.
Coding change: c.8793A>G on transcript NM_201384.3 (MANE Select); coding-DNA position 8793, A replaced by G.
Protein change: p.Glu2931=; no amino-acid change (glutamic acid 2931 retained).
Molecular consequence: synonymous variant.
Genome position (GRCh38, 1-based): chr8:143,921,028, T>C on the plus strand (A>G on the coding strand, the complement: PLEC is on the minus strand). VCF-style: chr8-143921028-T-C. GRCh37 (hg19) VCF-style: chr8-144995196-T-C.
Other names: c.8874A>G, p.Glu2958= (NM_000445.5); c.5493A>G, p.Glu1831= (NM_001410941.1); c.8751A>G, p.Glu2917= (NM_201378.4); c.8727A>G, p.Glu2909= (NM_201379.3); c.9204A>G, p.Glu3068= (NM_201380.4); c.8697A>G, p.Glu2899= (NM_201381.3); c.8793A>G, p.Glu2931= (NM_201382.4); c.8805A>G, p.Glu2935= (NM_201383.3).
Identifiers: ClinVar variation 4681689 (VCV004681689.5).

ClinVar aggregate classification (germline): Likely benign (1 of 4 stars; one submission).

gnomAD v4.1: 7 of 1,612,926 alleles (0.00043%); highest among the groups gnomAD compares: Admixed American, 0.01%; no homozygotes.

Submission:

CeGaT Center for Human Genetics Tuebingen
Classification: Likely benign. Last evaluated: 2025-12-01. Review status: criteria provided, single submitter. Criteria: CeGaT Center For Human Genetics Tuebingen Variant Classification Criteria Version 2. Collection method: clinical testing. Allele origin: germline. Affected: yes. Observed: 1 variant allele.
Comment: PLEC: BP4, BP7